The following is an entry in ClinVar:

NM_001365480.1(CCDC88A):c.3664G>A (p.Glu1222Lys)

Gene: CCDC88A (coiled-coil domain containing 88A; minus strand). Cytogenetic location: 2p16.1.
Variant type: single nucleotide variant.
Coding change: c.3664G>A on transcript NM_001365480.1 (MANE Select); coding-DNA position 3664, G replaced by A.
Protein change: p.Glu1222Lys; replaces glutamic acid 1222 with lysine.
Molecular consequence: missense variant.
Genome position (GRCh38, 1-based): chr2:55,317,288, C>T on the plus strand (G>A on the coding strand, the complement: CCDC88A is on the minus strand). VCF-style: chr2-55317288-C-T. GRCh37 (hg19) VCF-style: chr2-55544424-C-T.
Other names: c.3661G>A, p.Glu1221Lys (NM_001135597.2, NM_001254943.2); c.3664G>A, p.Glu1222Lys (NM_018084.5); short protein forms E1222K, E1221K.
Identifiers: ClinVar variation 1438125 (VCV001438125.5), dbSNP rs1429249867, ClinGen allele CA346890430.

ClinVar aggregate classification (germline): Uncertain significance (1 of 4 stars; one submission).

Allele frequency attached by ClinVar (database versions not stated): TOPMed below 0.00001; gnomAD 0.00001; gnomAD exomes 0.00002.
gnomAD v4.1: 31 of 1,550,342 alleles (0.002%); highest among the groups gnomAD compares: Non-Finnish European, 0.0025%; no homozygotes.

Submission:

Labcorp Genetics (formerly Invitae), Labcorp
Classification: Uncertain significance. Last evaluated: 2024-05-15. Review status: criteria provided, single submitter. Criteria: Invitae Variant Classification Sherloc (09022015). Collection method: clinical testing. Allele origin: germline.
Comment: This sequence change replaces glutamic acid, which is acidic and polar, with lysine, which is basic and polar, at codon 1221 of the CCDC88A protein (p.Glu1221Lys). This variant is not present in population databases (gnomAD no frequency). This variant has not been reported in the literature in individuals affected with CCDC88A-related conditions. ClinVar contains an entry for this variant (Variation ID: 1438125). An algorithm developed to predict the effect of missense changes on protein structure and function (PolyPhen-2) suggests that this variant is likely to be disruptive. In summary, the available evidence is currently insufficient to determine the role of this variant in disease. Therefore, it has been classified as a Variant of Uncertain Significance.